The following is an entry in ClinVar:

NM_004795.4(KL):c.1462TTG[1] (p.Leu489del)

Gene: KL (klotho; plus strand). Cytogenetic location: 13q13.1.
Variant type: Microsatellite.
Coding change: c.1462TTG[1] on transcript NM_004795.4 (MANE Select); one copy of the 3-base unit TTG starting at c.1462; the reference has two copies in a row; one copy, 3 bases deleted; also written c.1465_1467del.
Protein change: p.Leu489del; deletes leucine 489.
Molecular consequence: inframe deletion.
Genome position (GRCh38, 1-based): chr13:33,055,181-33,055,183, TTG deleted; deleting any 3 consecutive bases within chr13:33,055,176-33,055,183 gives the same sequence; the position shown is the placement nearest the transcript's 3' end. VCF-style (leftmost placement, unchanged base first): chr13-33055175-ATGT-A. GRCh37 (hg19) VCF-style: chr13-33629312-ATGT-A.
Other names: c.1465_1467del (NM_004795.4); short protein forms L489del.
Identifiers: ClinVar variation 1361567 (VCV001361567.7), dbSNP rs777919048, ClinGen allele CA6944112.

ClinVar aggregate classification (germline): Uncertain significance. Review status: criteria provided, multiple submitters, no conflicts (2 of 4 stars). 2 submissions from 2 submitters: Uncertain significance (2). Last evaluated 2024-11-04.

Conditions:
Tumoral calcinosis, hyperphosphatemic, familial, 3. Identifiers: MedGen C4693864, MONDO:0060715, OMIM 617994.

Submissions (2):

Labcorp Genetics (formerly Invitae), Labcorp
Classification: Uncertain significance. Last evaluated: 2024-11-04. Review status: criteria provided, single submitter. Criteria: Invitae Variant Classification Sherloc (09022015). Collection method: clinical testing. Allele origin: germline.
Comment: This variant, c.1465_1467del, results in the deletion of 1 amino acid(s) of the KL protein (p.Leu489del), but otherwise preserves the integrity of the reading frame. This variant is present in population databases (rs777919048, gnomAD 0.009%). This variant has not been reported in the literature in individuals affected with KL-related conditions. Experimental studies and prediction algorithms are not available or were not evaluated, and the functional significance of this variant is currently unknown. In summary, the available evidence is currently insufficient to determine the role of this variant in disease. Therefore, it has been classified as a Variant of Uncertain Significance.

Fulgent Genetics
Classification: Uncertain significance for Tumoral calcinosis, hyperphosphatemic, familial, 3. Last evaluated: 2021-12-16. Review status: criteria provided, single submitter. Criteria: ACMG Guidelines, 2015. Collection method: clinical testing. Allele origin: unknown.